The following is an entry in ClinVar:

NM_000245.4(MET):c.2698C>A (p.Leu900Met)

Gene: MET (MET proto-oncogene, receptor tyrosine kinase; plus strand). Cytogenetic location: 7q31.2.
Variant type: single nucleotide variant.
Coding change: c.2698C>A on transcript NM_000245.4 (MANE Select); coding-DNA position 2698, C replaced by A.
Protein change: p.Leu900Met; replaces leucine 900 with methionine.
Molecular consequence: missense variant.
Genome position (GRCh38, 1-based): chr7:116,769,759, C>A. VCF-style: chr7-116769759-C-A. GRCh37 (hg19) VCF-style: chr7-116409813-C-A.
Other names: c.2752C>A, p.Leu918Met (NM_001127500.3); c.2698C>A, p.Leu900Met (NM_001324401.3); c.1408C>A, p.Leu470Met (NM_001324402.2); short protein forms L470M, L900M, L918M.
Identifiers: ClinVar variation 953275 (VCV000953275.9), dbSNP rs1398243931, ClinGen allele CA368985770.

ClinVar aggregate classification (germline): Uncertain significance (1 of 4 stars; one submission).

Conditions:
Renal cell carcinoma. Identifiers: Orphanet 217071, MedGen C0007134, MeSH D002292, MONDO:0005086, HP:0005584.

Submission:

Labcorp Genetics (formerly Invitae), Labcorp
Classification: Uncertain significance for Renal cell carcinoma. Last evaluated: 2024-10-21. Review status: criteria provided, single submitter. Criteria: Invitae Variant Classification Sherloc (09022015). Collection method: clinical testing. Allele origin: germline.
Comment: This sequence change replaces leucine, which is neutral and non-polar, with methionine, which is neutral and non-polar, at codon 918 of the MET protein (p.Leu918Met). This variant is not present in population databases (gnomAD no frequency). This variant has not been reported in the literature in individuals affected with MET-related conditions. ClinVar contains an entry for this variant (Variation ID: 953275). Invitae Evidence Modeling of protein sequence and biophysical properties (such as structural, functional, and spatial information, amino acid conservation, physicochemical variation, residue mobility, and thermodynamic stability) indicates that this missense variant is not expected to disrupt MET protein function with a negative predictive value of 80%. In summary, the available evidence is currently insufficient to determine the role of this variant in disease. Therefore, it has been classified as a Variant of Uncertain Significance.